The following is an entry in ClinVar:

ClinVar aggregate classification (germline): Uncertain significance (1 of 4 stars; one submission).

Conditions:
Cardiovascular phenotype. Identifiers: MedGen CN230736.

Submission:

Ambry Genetics
Classification: Uncertain significance for Cardiovascular phenotype. Last evaluated: 2023-08-07. Review status: criteria provided, single submitter. Criteria: Ambry Variant Classification Scheme 2023. Collection method: clinical testing. Allele origin: germline.
Comment: The p.A221T variant (also known as c.661G>A), located in coding exon 5 of the LCAT gene, results from a G to A substitution at nucleotide position 661. The alanine at codon 221 is replaced by threonine, an amino acid with similar properties. This amino acid position is conserved. In addition, the in silico prediction for this alteration is inconclusive. Since supporting evidence is limited at this time, the clinical significance of this alteration remains unclear.

NM_000229.2(LCAT):c.661G>A (p.Ala221Thr)

Gene: LCAT (lecithin-cholesterol acyltransferase; minus strand). Cytogenetic location: 16q22.1.
Variant type: single nucleotide variant.
Coding change: c.661G>A on transcript NM_000229.2 (MANE Select); coding-DNA position 661, G replaced by A.
Protein change: p.Ala221Thr; replaces alanine 221 with threonine.
Molecular consequence: missense variant.
Genome position (GRCh38, 1-based): chr16:67,942,450, C>T on the plus strand (G>A on the coding strand, the complement: LCAT is on the minus strand). VCF-style: chr16-67942450-C-T. GRCh37 (hg19) VCF-style: chr16-67976353-C-T.
Other names: short protein forms A221T.
Identifiers: ClinVar variation 2587102 (VCV002587102.2), dbSNP rs1291364028, ClinGen allele CA396378196.
Genomic context (GRCh38, chr16:67,942,450, plus strand): 5'-TGGAGCCACCCCAGGGAGCCCCAAGAGAGATGAAGCCATCAATAAAGCGGTCCTTCCAGG[C>T]CTGGGGCTGGCGCAGCAGGAAATAGAGCAAGTGTAGACAGCCGAGGCTGTGGCCAATGAG-3'
Protein context (NP_000220.1, residues 211-231): LLYFLLRQPQ[Ala221Thr]WKDRFIDGFI